The following is an entry in ClinVar:

ClinVar aggregate classification (germline): Uncertain significance. Review status: criteria provided, multiple submitters, no conflicts (2 of 4 stars). 4 submissions from 4 submitters: Uncertain significance (3). 1 of the submissions does not count toward it. Last evaluated 2025-05-26.

Conditions:
Pulmonary fibrosis and/or bone marrow failure, Telomere-related, 3. Also called: PULMONARY FIBROSIS AND/OR BONE MARROW FAILURE SYNDROME, TELOMERE-RELATED, 3. Identifiers: Orphanet 2032, MedGen C4225346, MONDO:0014613, OMIM 616373.
Dyskeratosis congenita, autosomal recessive 5 (DKCB5). Identifiers: MedGen C3554656, MONDO:0014076, OMIM 615190.

Allele frequency attached by ClinVar (database versions not stated): gnomAD 0.00001; ExAC 0.00002; gnomAD exomes 0.00002; TOPMed 0.00003; ESP Exome Variant Server 0.00008.
gnomAD v4.1: 31 of 1,611,284 alleles (0.0019%); highest among the groups gnomAD compares: East Asian, 0.0045%; no homozygotes.

Submissions (4):

Mayo Clinic Laboratories, Mayo Clinic
Classification: Uncertain significance. Last evaluated: 2025-05-26. Review status: criteria provided, single submitter. Criteria: ACMG Guidelines, 2015. Collection method: clinical testing. Allele origin: germline. Observed: 1 variant allele.
Comment: BP4_moderate

Labcorp Genetics (formerly Invitae), Labcorp
Classification: Uncertain significance for Dyskeratosis congenita, autosomal recessive 5; Pulmonary fibrosis and/or bone marrow failure, Telomere-related, 3. Last evaluated: 2024-11-04. Review status: criteria provided, single submitter. Criteria: Invitae Variant Classification Sherloc (09022015). Collection method: clinical testing. Allele origin: germline.
Comment: This sequence change replaces arginine, which is basic and polar, with tryptophan, which is neutral and slightly polar, at codon 879 of the RTEL1 protein (p.Arg879Trp). This variant is present in population databases (rs142877871, gnomAD 0.007%). This variant has not been reported in the literature in individuals affected with RTEL1-related conditions. ClinVar contains an entry for this variant (Variation ID: 973669). An algorithm developed to predict the effect of missense changes on protein structure and function (PolyPhen-2) suggests that this variant is likely to be disruptive. In summary, the available evidence is currently insufficient to determine the role of this variant in disease. Therefore, it has been classified as a Variant of Uncertain Significance.

GeneDx
Classification: Uncertain significance. Last evaluated: 2024-05-30. Review status: criteria provided, single submitter. Criteria: GeneDx Variant Classification Process June 2021. Collection method: clinical testing. Allele origin: germline. Affected: yes.
Comment: In silico analysis supports that this missense variant has a deleterious effect on protein structure/function; Not observed at significant frequency in large population cohorts (gnomAD); Has not been previously published as pathogenic or benign to our knowledge

UOSD Laboratory of Genetics & Genomics of Rare Diseases, Istituto Giannina Gaslini
Classification: Uncertain significance for Dyskeratosis congenita, autosomal recessive 5. Last evaluated: 2020-05-21. Review status: no assertion criteria provided. Collection method: clinical testing. Allele origin: germline. Affected: yes. Observed: 1 variant allele. Not counted in ClinVar's aggregate classification.

NM_001283009.2(RTEL1):c.2635C>T (p.Arg879Trp)

Genes: RTEL1 (regulator of telomere elongation helicase 1; plus strand), RTEL1-TNFRSF6B (RTEL1-TNFRSF6B readthrough (NMD candidate); plus strand). Cytogenetic location: 20q13.33.
Variant type: single nucleotide variant.
Coding change: c.2635C>T on transcript NM_001283009.2 (MANE Select); coding-DNA position 2635, C replaced by T.
Protein change: p.Arg879Trp; replaces arginine 879 with tryptophan.
Molecular consequence: missense variant. On other transcripts: non-coding transcript variant (1).
Genome position (GRCh38, 1-based): chr20:63,691,820, C>T. VCF-style: chr20-63691820-C-T. GRCh37 (hg19) VCF-style: chr20-62323173-C-T.
Other names: p.Arg903Trp; c.1966C>T, p.Arg656Trp (NM_001283010.1); c.2635C>T, p.Arg879Trp (NM_016434.4); c.2707C>T, p.Arg903Trp (NM_032957.5); short protein forms R903W, R656W, R879W.
Identifiers: ClinVar variation 973669 (VCV000973669.8), dbSNP rs142877871, ClinGen allele CA9965438.